The following is an entry in ClinVar:

ClinVar aggregate classification (germline): Uncertain significance. Review status: criteria provided, multiple submitters, no conflicts (2 of 4 stars). 2 submissions from 2 submitters: Uncertain significance (2). Last evaluated 2021-12-03.

Submissions (2):

Labcorp Genetics (formerly Invitae), Labcorp
Classification: Uncertain significance. Last evaluated: 2021-12-03. Review status: criteria provided, single submitter. Criteria: Invitae Variant Classification Sherloc (09022015). Collection method: clinical testing. Allele origin: germline.
Comment: This sequence change replaces leucine, which is neutral and non-polar, with phenylalanine, which is neutral and non-polar, at codon 585 of the NBAS protein (p.Leu585Phe). This variant is not present in population databases (gnomAD no frequency). This variant has not been reported in the literature in individuals affected with NBAS-related conditions. Algorithms developed to predict the effect of missense changes on protein structure and function are either unavailable or do not agree on the potential impact of this missense change (SIFT: "Deleterious"; PolyPhen-2: "Probably Damaging"; Align-GVGD: "Class C15"). In summary, the available evidence is currently insufficient to determine the role of this variant in disease. Therefore, it has been classified as a Variant of Uncertain Significance.

AiLife Diagnostics
Classification: Uncertain significance. Last evaluated: 2021-06-10. Review status: criteria provided, single submitter. Criteria: ACMG Guidelines, 2015. Collection method: clinical testing. Allele origin: germline. Affected: yes. Observed: 1 variant allele.

NM_015909.4(NBAS):c.1753C>T (p.Leu585Phe)

Gene: NBAS (NBAS subunit of NRZ tethering complex; minus strand). Cytogenetic location: 2p24.3.
Variant type: single nucleotide variant.
Coding change: c.1753C>T on transcript NM_015909.4 (MANE Select); coding-DNA position 1753, C replaced by T.
Protein change: p.Leu585Phe; replaces leucine 585 with phenylalanine.
Molecular consequence: missense variant. On other transcripts: non-coding transcript variant (1).
Genome position (GRCh38, 1-based): chr2:15,468,506, G>A on the plus strand (C>T on the coding strand, the complement: NBAS is on the minus strand). VCF-style: chr2-15468506-G-A. GRCh37 (hg19) VCF-style: chr2-15608630-G-A.
Other names: short protein forms L585F.
Identifiers: ClinVar variation 1396214 (VCV001396214.7), dbSNP rs2148574470, ClinGen allele CA345884989.